The following is an entry in ClinVar:

NM_000093.5(COL5A1):c.3389C>T (p.Pro1130Leu)

Gene: COL5A1 (collagen type V alpha 1 chain; plus strand). Cytogenetic location: 9q34.3.
Variant type: single nucleotide variant.
Coding change: c.3389C>T on transcript NM_000093.5 (MANE Select); coding-DNA position 3389, C replaced by T.
Protein change: p.Pro1130Leu; replaces proline 1130 with leucine.
Molecular consequence: missense variant.
Genome position (GRCh38, 1-based): chr9:134,809,205, C>T. VCF-style: chr9-134809205-C-T. GRCh37 (hg19) VCF-style: chr9-137701051-C-T.
Other names: c.3389C>T, p.Pro1130Leu (NM_001278074.1); short protein forms P1130L.
Identifiers: ClinVar variation 1186431 (VCV001186431.2), dbSNP rs1838417405, ClinGen allele CA375452873.

ClinVar aggregate classification (germline): Uncertain significance (1 of 4 stars; one submission).

Submission:

GeneDx
Classification: Uncertain significance. Last evaluated: 2019-04-23. Review status: criteria provided, single submitter. Criteria: GeneDx Variant Classification Process June 2021. Collection method: clinical testing. Allele origin: germline. Affected: yes.
Comment: Has not been previously published as pathogenic or benign to our knowledge; Not observed in large population cohorts (Lek et al., 2016); Occurs in the triple helical domain at the X position in the canonical Gly-X-Y repeat; although this variant may have an effect on normal protein folding and function, missense substitution at the X position is not a common mechanism of disease (Symoens et al., 2012; Stenson et al., 2014); In silico analysis, which includes protein predictors and evolutionary conservation, supports a deleterious effect